The following is an entry in ClinVar:

ClinVar aggregate classification (germline): Uncertain significance (1 of 4 stars; one submission).

Submission:

Labcorp Genetics (formerly Invitae), Labcorp
Classification: Uncertain significance. Last evaluated: 2022-07-26. Review status: criteria provided, single submitter. Criteria: Invitae Variant Classification Sherloc (09022015). Collection method: clinical testing. Allele origin: germline.
Comment: In summary, the available evidence is currently insufficient to determine the role of this variant in disease. Therefore, it has been classified as a Variant of Uncertain Significance. Algorithms developed to predict the effect of missense changes on protein structure and function are either unavailable or do not agree on the potential impact of this missense change (SIFT: "Deleterious"; PolyPhen-2: "Benign"; Align-GVGD: "Class C0"). ClinVar contains an entry for this variant (Variation ID: 1042995). This variant has not been reported in the literature in individuals affected with TOPORS-related conditions. This variant is not present in population databases (gnomAD no frequency). This sequence change replaces phenylalanine, which is neutral and non-polar, with leucine, which is neutral and non-polar, at codon 213 of the TOPORS protein (p.Phe213Leu).

NM_005802.5(TOPORS):c.637T>C (p.Phe213Leu)

Gene: TOPORS (TOP1 binding arginine/serine rich protein, E3 ubiquitin ligase; minus strand). Cytogenetic location: 9p21.1.
Variant type: single nucleotide variant.
Coding change: c.637T>C on transcript NM_005802.5 (MANE Select); coding-DNA position 637, T replaced by C.
Protein change: p.Phe213Leu; replaces phenylalanine 213 with leucine.
Molecular consequence: missense variant.
Genome position (GRCh38, 1-based): chr9:32,543,888, A>G on the plus strand (T>C on the coding strand, the complement: TOPORS is on the minus strand). VCF-style: chr9-32543888-A-G. GRCh37 (hg19) VCF-style: chr9-32543886-A-G.
Other names: c.442T>C, p.Phe148Leu (NM_001195622.2); short protein forms F213L, F148L.
Identifiers: ClinVar variation 1042995 (VCV001042995.8), dbSNP rs1821107747, ClinGen allele CA373172214.